The following is an entry in ClinVar:

NM_001199107.2(TBC1D24):c.131G>A (p.Trp44Ter)

Gene: TBC1D24 (TBC1 domain family member 24; plus strand). Cytogenetic location: 16p13.3.
Variant type: single nucleotide variant.
Coding change: c.131G>A on transcript NM_001199107.2 (MANE Select); coding-DNA position 131, G replaced by A.
Protein change: p.Trp44Ter; replaces tryptophan 44 with a stop codon.
Molecular consequence: nonsense.
Genome position (GRCh38, 1-based): chr16:2,496,279, G>A. VCF-style: chr16-2496279-G-A. GRCh37 (hg19) VCF-style: chr16-2546280-G-A.
Other names: c.131G>A, p.Trp44Ter (NM_020705.3); short protein forms W44*.
Identifiers: ClinVar variation 593459 (VCV000593459.10), dbSNP rs1567411053, ClinGen allele CA394374654.

ClinVar aggregate classification (germline): Pathogenic. Review status: criteria provided, multiple submitters, no conflicts (2 of 4 stars). 2 submissions from 2 submitters: Pathogenic (2). Last evaluated 2023-07-07.

Conditions:
Autosomal dominant nonsyndromic hearing loss 65. Also called: Deafness, autosomal dominant 65; TBC1D24-Related Autosomal Dominant Nonsyndromic Hearing Loss (DFNA). Identifiers: Orphanet 90635, MedGen C3892048, MONDO:0014470, OMIM 616044.
Developmental and epileptic encephalopathy, 1 (DEE1). Also called: Epileptic encephalopathy, early infantile, 1; X-linked infantile spasms; West's syndrome; Tonic spasms with clustering, arrest of psychomotor development and hypsarrhythmia on EEG; X-Linked Infantile Spasm Syndrome; OHTAHARA SYNDROME, X-LINKED. Identifiers: MedGen C3463992, MONDO:0010632, OMIM 308350. Disease mechanism: loss of function.

Allele frequency attached by ClinVar (database versions not stated): gnomAD exomes below 0.00001.
gnomAD v4.1: 2 of 1,613,762 alleles (0.00012%); highest among the groups gnomAD compares: Non-Finnish European, 0.00017%; no homozygotes.

Submissions (2):

Labcorp Genetics (formerly Invitae), Labcorp
Classification: Pathogenic for Developmental and epileptic encephalopathy, 1; Autosomal dominant nonsyndromic hearing loss 65. Last evaluated: 2023-07-07. Review status: criteria provided, single submitter. Criteria: Invitae Variant Classification Sherloc (09022015). Collection method: clinical testing. Allele origin: germline.
Comment: This sequence change creates a premature translational stop signal (p.Trp44*) in the TBC1D24 gene. It is expected to result in an absent or disrupted protein product. Loss-of-function variants in TBC1D24 are known to be pathogenic (PMID: 23526554, 24291220). This variant is not present in population databases (gnomAD no frequency). This variant has not been reported in the literature in individuals affected with TBC1D24-related conditions. ClinVar contains an entry for this variant (Variation ID: 593459). For these reasons, this variant has been classified as Pathogenic.

Eurofins Ntd Llc (ga)
Classification: Pathogenic. Last evaluated: 2017-08-08. Review status: criteria provided, single submitter. Criteria: EGL Classification Definitions 2015. Collection method: clinical testing. Allele origin: germline. Observed: 1 variant allele, 1 heterozygote.

Literature cited by the submitters: PubMed 23526554 (cited by Labcorp Genetics (formerly Invitae), Labcorp); PubMed 24291220 (cited by Labcorp Genetics (formerly Invitae), Labcorp).